The following is an entry in ClinVar:

ClinVar aggregate classification (germline): Uncertain significance (1 of 4 stars; one submission).

Conditions:
Neuronal ceroid lipofuscinosis. Also called: Neuronal Ceroid Lipofuscinoses. Identifiers: Orphanet 216, Orphanet 79263, MedGen C0027877, MONDO:0016295. Disease mechanism: loss of function.

Allele frequency attached by ClinVar (database versions not stated): gnomAD exomes 0.00001; TOPMed 0.00003.
gnomAD v4.1: 17 of 1,613,720 alleles (0.0011%); highest among the groups gnomAD compares: Middle Eastern, 0.099%; no homozygotes.

Submission:

Labcorp Genetics (formerly Invitae), Labcorp
Classification: Uncertain significance for Neuronal ceroid lipofuscinosis. Last evaluated: 2022-07-19. Review status: criteria provided, single submitter. Criteria: Invitae Variant Classification Sherloc (09022015). Collection method: clinical testing. Allele origin: germline.
Comment: This sequence change falls in intron 5 of the CLN3 gene. It does not directly change the encoded amino acid sequence of the CLN3 protein. It affects a nucleotide within the consensus splice site. This variant is present in population databases (no rsID available, gnomAD 0.004%). This variant has not been reported in the literature in individuals affected with CLN3-related conditions. Variants that disrupt the consensus splice site are a relatively common cause of aberrant splicing (PMID: 17576681, 9536098). Algorithms developed to predict the effect of sequence changes on RNA splicing suggest that this variant may disrupt the consensus splice site. In summary, the available evidence is currently insufficient to determine the role of this variant in disease. Therefore, it has been classified as a Variant of Uncertain Significance.

Literature cited by the submitters: PubMed 17576681; PubMed 9536098.

NM_001042432.2(CLN3):c.294+4C>T

Gene: CLN3 (CLN3 lysosomal/endosomal transmembrane protein, battenin; minus strand). Cytogenetic location: 16p12.1.
Variant type: single nucleotide variant.
Coding change: c.294+4C>T on transcript NM_001042432.2 (MANE Select); 4 bases into the intron after coding-DNA position 294, C replaced by T.
Molecular consequence: intron variant.
Genome position (GRCh38, 1-based): chr16:28,488,587, G>A on the plus strand (C>T on the coding strand, the complement: CLN3 is on the minus strand). VCF-style: chr16-28488587-G-A. GRCh37 (hg19) VCF-style: chr16-28499908-G-A.
Other names: c.60+703C>T (NM_001286109.2); c.222+703C>T (NM_001286104.2); c.74+4C>T (NM_001286105.2); c.132+4C>T (NM_001286110.2); c.294+4C>T (NM_000086.2).
Identifiers: ClinVar variation 2415668 (VCV002415668.3), dbSNP rs1450357653, ClinGen allele CA621716878.